The following is an entry in ClinVar:

ClinVar aggregate classification (germline): Conflicting classifications of pathogenicity. Review status: criteria provided, conflicting classifications (1 of 4 stars). 2 submissions from 2 submitters: Uncertain significance (1); Likely benign (1). Last evaluated 2024-10-10.

Conditions:
Hereditary cancer-predisposing syndrome. Also called: Hereditary Cancer Syndrome; Tumor predisposition; Neoplastic Syndromes, Hereditary; Hereditary neoplastic syndrome. Identifiers: Orphanet 140162, MedGen C0027672, MeSH D009386, MONDO:0015356.
Hereditary diffuse gastric adenocarcinoma (HDGC). Also called: DIFFUSE GASTRIC AND LOBULAR BREAST CANCER SYNDROME. Identifiers: Orphanet 26106, MedGen C1708349, MONDO:0007648, OMIM 137215.

Submissions (2):

Myriad Genetics, Inc.
Classification: Likely benign for Hereditary diffuse gastric adenocarcinoma. Last evaluated: 2024-10-10. Review status: criteria provided, single submitter. Criteria: Myriad Autosomal Dominant, Autosomal Recessive and X-Linked Classification Criteria (2023). Collection method: clinical testing. Allele origin: unknown.
Comment: This variant is considered likely benign. This variant is intronic and is not expected to impact mRNA splicing.

Ambry Genetics
Classification: Uncertain significance for Hereditary cancer-predisposing syndrome. Last evaluated: 2024-01-25. Review status: criteria provided, single submitter. Criteria: Ambry Variant Classification Scheme 2023. Collection method: clinical testing. Allele origin: germline.
Comment: The c.1144-5A>C intronic variant results from an A to C substitution 5 nucleotides upstream from coding exon 8 in the CTNNA1 gene. This nucleotide position is not well conserved in available vertebrate species. In silico splice site analysis predicts that this alteration will not have any significant effect on splicing. The evidence for this gene-disease relationship is limited; therefore, the clinical significance of this alteration is unclear.

NM_001903.5(CTNNA1):c.1144-5A>C

Gene: CTNNA1 (catenin alpha 1; plus strand). Cytogenetic location: 5q31.2.
Variant type: single nucleotide variant.
Coding change: c.1144-5A>C on transcript NM_001903.5 (MANE Select); 5 bases into the intron before coding-DNA position 1144, A replaced by C.
Molecular consequence: intron variant.
Genome position (GRCh38, 1-based): chr5:138,887,485, A>C. VCF-style: chr5-138887485-A-C. GRCh37 (hg19) VCF-style: chr5-138223174-A-C.
Other names: c.1144-5A>C (NM_001323982.2, NM_001323984.2, NM_001290307.3 and 3 more transcripts); c.775-5A>C (NM_001290310.3); c.835-5A>C (NM_001290309.3); c.34-5A>C (NM_001323996.1, NM_001323993.1, NM_001324005.1 and 18 more transcripts); c.-364-5A>C (NM_001324007.1, NM_001324009.1, NM_001324006.1 and 1 more transcripts); c.-239-5A>C (NM_001324013.1); c.-58+11888A>C (NM_001324012.1); c.-61+11888A>C (NM_001324010.1).
Identifiers: ClinVar variation 3221870 (VCV003221870.2), dbSNP rs201803579, ClinGen allele CA2578420957.
Genomic context (GRCh38, chr5:138,887,485, plus strand): 5'-AAAAGCAATCTATTTAATACCTTTTTGGTAGAAATAAAATCAAATTTTTACAATTTAATC[A>C]TTAGCTCCGCAAAGCTGTCATGGACCACGTTTCAGATTCTTTCCTGGAAACCAATGTTCC-3'